The following is an entry in ClinVar:

NM_016169.4(SUFU):c.1220C>T (p.Thr407Met)

Gene: SUFU (SUFU negative regulator of hedgehog signaling; plus strand). Cytogenetic location: 10q24.32.
Variant type: single nucleotide variant.
Coding change: c.1220C>T on transcript NM_016169.4 (MANE Select); coding-DNA position 1220, C replaced by T.
Protein change: p.Thr407Met; replaces threonine 407 with methionine.
Molecular consequence: missense variant.
Genome position (GRCh38, 1-based): chr10:102,617,352, C>T. VCF-style: chr10-102617352-C-T. GRCh37 (hg19) VCF-style: chr10-104377109-C-T.
Other names: c.1220C>T, p.Thr407Met (NM_001178133.2); short protein forms T407M.
Identifiers: ClinVar variation 1904038 (VCV001904038.7), dbSNP rs1313595676, ClinGen allele CA377915560.

ClinVar aggregate classification (germline): Uncertain significance. Review status: criteria provided, multiple submitters, no conflicts (2 of 4 stars). 2 submissions from 2 submitters: Uncertain significance (2). Last evaluated 2025-10-25.

Conditions:
Hereditary cancer-predisposing syndrome. Also called: Tumor predisposition; Neoplastic Syndromes, Hereditary; Hereditary neoplastic syndrome; Hereditary Cancer Syndrome. Identifiers: Orphanet 140162, MedGen C0027672, MeSH D009386, MONDO:0015356.
Medulloblastoma (MDB). Also called: MEDULLOBLASTOMA PREDISPOSITION SYNDROME; Medulloblastoma, somatic. Identifiers: Orphanet 616, MedGen C0025149, MeSH D008527, MONDO:0007959, OMIM 155255, HP:0002885.
Gorlin syndrome. Also called: Nevoid Basal Cell Carcinoma Syndrome; Basal cell nevus syndrome. Identifiers: Orphanet 377, MedGen C0004779, MONDO:0007187.

Submissions (2):

Ambry Genetics
Classification: Uncertain significance for Hereditary cancer-predisposing syndrome. Last evaluated: 2025-10-25. Review status: criteria provided, single submitter. Criteria: Ambry Variant Classification Scheme 2023. Collection method: clinical testing. Allele origin: germline.
Comment: The p.T407M variant (also known as c.1220C>T), located in coding exon 10 of the SUFU gene, results from a C to T substitution at nucleotide position 1220. The threonine at codon 407 is replaced by methionine, an amino acid with similar properties. This amino acid position is conserved. In addition, this alteration is predicted to be deleterious by in silico analysis. Since supporting evidence is limited at this time, the clinical significance of this alteration remains unclear.

Labcorp Genetics (formerly Invitae), Labcorp
Classification: Uncertain significance for Gorlin syndrome; Medulloblastoma. Last evaluated: 2021-12-14. Review status: criteria provided, single submitter. Criteria: Invitae Variant Classification Sherloc (09022015). Collection method: clinical testing. Allele origin: germline.
Comment: In summary, the available evidence is currently insufficient to determine the role of this variant in disease. Therefore, it has been classified as a Variant of Uncertain Significance. This sequence change replaces threonine, which is neutral and polar, with methionine, which is neutral and non-polar, at codon 407 of the SUFU protein (p.Thr407Met). This variant is not present in population databases (gnomAD no frequency). This variant has not been reported in the literature in individuals affected with SUFU-related conditions. Algorithms developed to predict the effect of missense changes on protein structure and function (SIFT, PolyPhen-2, Align-GVGD) all suggest that this variant is likely to be disruptive.